The following is an entry in ClinVar:

ClinVar aggregate classification (germline): Conflicting classifications of pathogenicity. Review status: criteria provided, conflicting classifications (1 of 4 stars). 2 submissions from 2 submitters: Uncertain significance (1); Likely benign (1). Last evaluated 2026-02-01.

Conditions:
Cardiovascular phenotype. Identifiers: MedGen CN230736.
Brugada syndrome. Also called: Sudden unexpected nocturnal death syndrome; Sudden Unexplained Death Syndrome; Sudden Unexplained Nocturnal Death Syndrome (SUNDS); Sudden unexplained nocturnal death syndrome. Identifiers: Orphanet 130, MedGen C1142166, MONDO:0015263.

Allele frequency attached by ClinVar (database versions not stated): TOPMed 0.00005.
gnomAD v4.1: 62 of 1,614,086 alleles (0.0038%); highest among the groups gnomAD compares: South Asian, 0.049%; 1 homozygote.

Submissions (2):

Labcorp Genetics (formerly Invitae), Labcorp
Classification: Uncertain significance for Brugada syndrome. Last evaluated: 2026-02-01. Review status: criteria provided, single submitter. Criteria: Invitae Variant Classification Sherloc (09022015). Collection method: clinical testing. Allele origin: germline.
Comment: This sequence change replaces arginine, which is basic and polar, with histidine, which is basic and polar, at codon 923 of the SCN10A protein (p.Arg923His). This variant is present in population databases (rs759458296, gnomAD 0.04%). This variant has not been reported in the literature in individuals affected with SCN10A-related conditions. ClinVar contains an entry for this variant (Variation ID: 936757). Invitae Evidence Modeling of protein sequence and biophysical properties (such as structural, functional, and spatial information, amino acid conservation, physicochemical variation, residue mobility, and thermodynamic stability) indicates that this missense variant is not expected to disrupt SCN10A protein function with a negative predictive value of 95%. In summary, the available evidence is currently insufficient to determine the role of this variant in disease. Therefore, it has been classified as a Variant of Uncertain Significance.

Ambry Genetics
Classification: Likely benign for Cardiovascular phenotype. Last evaluated: 2020-09-02. Review status: criteria provided, single submitter. Criteria: Ambry Variant Classification Scheme 2023. Collection method: clinical testing. Allele origin: germline.

NM_006514.4(SCN10A):c.2768G>A (p.Arg923His)

Gene: SCN10A (sodium voltage-gated channel alpha subunit 10; minus strand). Cytogenetic location: 3p22.2.
Variant type: single nucleotide variant.
Coding change: c.2768G>A on transcript NM_006514.4 (MANE Select); coding-DNA position 2768, G replaced by A.
Protein change: p.Arg923His; replaces arginine 923 with histidine.
Molecular consequence: missense variant.
Genome position (GRCh38, 1-based): chr3:38,726,925, C>T on the plus strand (G>A on the coding strand, the complement: SCN10A is on the minus strand). VCF-style: chr3-38726925-C-T. GRCh37 (hg19) VCF-style: chr3-38768416-C-T.
Other names: c.2768G>A, p.Arg923His (NM_001293306.2); c.2474G>A, p.Arg825His (NM_001293307.2); short protein forms R923H, R825H.
Identifiers: ClinVar variation 936757 (VCV000936757.7), dbSNP rs759458296, ClinGen allele CA2320433.
Genomic context (GRCh38, chr3:38,726,925, plus strand): 5'-GCCTTGGGCTGGGGGAATGGGCAGGACCTGCTGAAGAAGCTGCAAAGAGCCTGTTTGGTA[C>T]GATGGCCAAAGACCTGGATCCGTGCCAGGGCCACCTGCAGGTTGTTCACCTCCCCATCGT-3'
Protein context (NP_006505.4, residues 913-933): ALARIQVFGH[Arg923His]TKQALCSFFS